The following is an entry in ClinVar:

NM_001276270.2(MBD4):c.878C>T (p.Ala293Val)

Gene: MBD4 (methyl-CpG binding domain 4, DNA glycosylase; minus strand). Cytogenetic location: 3q21.3.
Variant type: single nucleotide variant.
Coding change: c.878C>T on transcript NM_001276270.2 (MANE Select); coding-DNA position 878, C replaced by T.
Protein change: p.Ala293Val; replaces alanine 293 with valine.
Molecular consequence: missense variant. On other transcripts: intron variant (1).
Genome position (GRCh38, 1-based): chr3:129,436,766, G>A on the plus strand (C>T on the coding strand, the complement: MBD4 is on the minus strand). VCF-style: chr3-129436766-G-A. GRCh37 (hg19) VCF-style: chr3-129155609-G-A.
Other names: c.878C>T, p.Ala293Val (NM_001276271.2, NM_001276272.2, NM_003925.3); c.247+1042C>T (NM_001276273.2); short protein forms A293V.
Identifiers: ClinVar variation 2705999 (VCV002705999.3), dbSNP rs2530720018, ClinGen allele CA354467050.

ClinVar aggregate classification (germline): Uncertain significance (1 of 4 stars; one submission).

Submission:

Labcorp Genetics (formerly Invitae), Labcorp
Classification: Uncertain significance. Last evaluated: 2023-12-28. Review status: criteria provided, single submitter. Criteria: Invitae Variant Classification Sherloc (09022015). Collection method: clinical testing. Allele origin: germline.
Comment: This sequence change replaces alanine, which is neutral and non-polar, with valine, which is neutral and non-polar, at codon 293 of the MBD4 protein (p.Ala293Val). This variant is not present in population databases (gnomAD no frequency). This variant has not been reported in the literature in individuals affected with MBD4-related conditions. Algorithms developed to predict the effect of missense changes on protein structure and function output the following: SIFT: "Not Available"; PolyPhen-2: "Benign"; Align-GVGD: "Not Available". The valine amino acid residue is found in multiple mammalian species, which suggests that this missense change does not adversely affect protein function. In summary, the available evidence is currently insufficient to determine the role of this variant in disease. Therefore, it has been classified as a Variant of Uncertain Significance.